The following is an entry in ClinVar:

ClinVar aggregate classification (germline): Uncertain significance (1 of 4 stars; one submission).

Submission:

Labcorp Genetics (formerly Invitae), Labcorp
Classification: Uncertain significance. Last evaluated: 2025-04-12. Review status: criteria provided, single submitter. Criteria: Invitae Variant Classification Sherloc (09022015). Collection method: clinical testing. Allele origin: germline.
Comment: This sequence change replaces arginine, which is basic and polar, with threonine, which is neutral and polar, at codon 401 of the NSD1 protein (p.Arg401Thr). This variant is not present in population databases (gnomAD no frequency). This variant has not been reported in the literature in individuals affected with NSD1-related conditions. Invitae Evidence Modeling of protein sequence and biophysical properties (such as structural, functional, and spatial information, amino acid conservation, physicochemical variation, residue mobility, and thermodynamic stability) has been performed for this missense variant. However, the output from this modeling did not meet the statistical confidence thresholds required to predict the impact of this variant on NSD1 protein function. In summary, the available evidence is currently insufficient to determine the role of this variant in disease. Therefore, it has been classified as a Variant of Uncertain Significance.

NM_022455.5(NSD1):c.1202G>C (p.Arg401Thr)

Gene: NSD1 (nuclear receptor binding SET domain protein 1; plus strand). Cytogenetic location: 5q35.3.
Variant type: single nucleotide variant.
Coding change: c.1202G>C on transcript NM_022455.5 (MANE Select); coding-DNA position 1202, G replaced by C.
Protein change: p.Arg401Thr; replaces arginine 401 with threonine.
Molecular consequence: missense variant.
Genome position (GRCh38, 1-based): chr5:177,204,258, G>C. VCF-style: chr5-177204258-G-C. GRCh37 (hg19) VCF-style: chr5-176631259-G-C.
Other names: c.329G>C, p.Arg110Thr (NM_001365684.2, NM_001409306.1, NM_001409307.1 and 3 more transcripts); c.1202G>C, p.Arg401Thr (NM_001409301.1, NM_001409302.1, NM_001409303.1); c.782G>C, p.Arg261Thr (NM_001409304.1); c.449G>C, p.Arg150Thr (NM_001409305.1); short protein forms R150T, R261T, R110T, R401T.
Identifiers: ClinVar variation 4746242 (VCV004746242.1).